The following is an entry in ClinVar:

NM_001322934.2(NFKB2):c.1519A>G (p.Ile507Val)

Gene: NFKB2 (nuclear factor kappa B subunit 2; plus strand). Cytogenetic location: 10q24.32.
Variant type: single nucleotide variant.
Coding change: c.1519A>G on transcript NM_001322934.2 (MANE Select); coding-DNA position 1519, A replaced by G.
Protein change: p.Ile507Val; replaces isoleucine 507 with valine.
Molecular consequence: missense variant.
Genome position (GRCh38, 1-based): chr10:102,400,129, A>G. VCF-style: chr10-102400129-A-G. GRCh37 (hg19) VCF-style: chr10-104159886-A-G.
Other names: c.1519A>G, p.Ile507Val (LRG_1347t1, NM_001077494.3, NM_001261403.3 and 2 more transcripts); c.1393A>G, p.Ile465Val (NM_001322935.1); short protein forms I507V, I465V.
Identifiers: ClinVar variation 664869 (VCV000664869.9), dbSNP rs1589867038, ClinGen allele CA377899804.

ClinVar aggregate classification (germline): Uncertain significance. Review status: criteria provided, multiple submitters, no conflicts (2 of 4 stars). 2 submissions from 2 submitters: Uncertain significance (2). Last evaluated 2026-03-11.

Conditions:
NFKB2-related disorder. Also called: NFKB2-related condition.
Immunodeficiency, common variable, 10. Also called: IMMUNODEFICIENCY, COMMON VARIABLE, WITH CENTRAL ADRENAL INSUFFICIENCY; DEFICIT IN ANTERIOR PITUITARY FUNCTION AND VARIABLE IMMUNODEFICIENCY. Identifiers: MedGen C3809991, MONDO:0014260, OMIM 615577.

Allele frequency attached by ClinVar (database versions not stated): gnomAD exomes 0.00001.
gnomAD v4.1: 3 of 1,614,098 alleles (0.00019%); highest among the groups gnomAD compares: South Asian, 0.0033%; no homozygotes.

Submissions (2):

PreventionGenetics, part of Exact Sciences
Classification: Uncertain significance for NFKB2-related condition. Last evaluated: 2026-03-11. Review status: criteria provided, single submitter. Criteria: ACMG Guidelines, 2015. Collection method: clinical testing. Allele origin: germline.
Comment: The NFKB2 c.1519A>G variant is predicted to result in the amino acid substitution p.Ile507Val. To our knowledge, this variant has not been reported in the literature or in a large population database (gnomAD), indicating this variant is rare. At this time, the clinical significance of this variant is uncertain due to the absence of conclusive functional and genetic evidence.

Labcorp Genetics (formerly Invitae), Labcorp
Classification: Uncertain significance for Immunodeficiency, common variable, 10. Last evaluated: 2018-12-04. Review status: criteria provided, single submitter. Criteria: Invitae Variant Classification Sherloc (09022015). Collection method: clinical testing. Allele origin: germline.
Comment: This variant has not been reported in the literature in individuals with NFKB2-related conditions. This variant is not present in population databases (ExAC no frequency). This sequence change replaces isoleucine with valine at codon 507 of the NFKB2 protein (p.Ile507Val). The isoleucine residue is moderately conserved and there is a small physicochemical difference between isoleucine and valine. Algorithms developed to predict the effect of missense changes on protein structure and function (SIFT, PolyPhen-2, Align-GVGD) all suggest that this variant is likely to be tolerated, but these predictions have not been confirmed by published functional studies and their clinical significance is uncertain. In summary, the available evidence is currently insufficient to determine the role of this variant in disease. Therefore, it has been classified as a Variant of Uncertain Significance. Algorithms developed to predict the effect of sequence changes on RNA splicing suggest that this variant may create or strengthen a splice site, but this prediction has not been confirmed by published transcriptional studies.